The following is an entry in ClinVar:

ClinVar aggregate classification (germline): Conflicting classifications of pathogenicity. Review status: criteria provided, conflicting classifications (1 of 4 stars). 5 submissions from 5 submitters: Uncertain significance (2); Likely benign (2). 1 of the submissions does not count toward it. Last evaluated 2026-01-26.

Conditions:
Duchenne muscular dystrophy (DMD). Also called: Duchenne Muscular Dystrophy (DMD); MUSCULAR DYSTROPHY, PSEUDOHYPERTROPHIC PROGRESSIVE, DUCHENNE TYPE. Identifiers: Orphanet 98896, MedGen C0013264, MONDO:0010679, OMIM 310200.
Dystrophin deficiency.
Cardiomyopathy (CMYO). Also called: Cardiomyopathies. Identifiers: Orphanet 167848, MedGen C0878544, MONDO:0004994, HP:0001638. Inheritance: Various modes of inheritance.
Becker muscular dystrophy (BMD). Also called: Becker Muscular Dystrophy (BMD); MUSCULAR DYSTROPHY, PSEUDOHYPERTROPHIC PROGRESSIVE, BECKER TYPE. Identifiers: Orphanet 98895, MedGen C0917713, MONDO:0010311, OMIM 300376.
Cardiovascular phenotype. Identifiers: MedGen CN230736.
Dilated cardiomyopathy 3B (CMD3B). Also called: CMD3B: DMD-Related Dilated Cardiomyopathy; CARDIOMYOPATHY, DILATED, X-LINKED; DMD-Associated Dilated Cardiomyopathy. Identifiers: Orphanet 154, MedGen C3668940, MONDO:0010542, OMIM 302045.

Allele frequency attached by ClinVar (database versions not stated): gnomAD exomes 0.00001 and 0.00002; TOPMed 0.00003; gnomAD 0.00005.
gnomAD v4.1: 16 of 1,205,874 alleles (0.0013%); highest among the groups gnomAD compares: African/African-American, 0.018%; no homozygotes.

Submissions (5):

Labcorp Genetics (formerly Invitae), Labcorp
Classification: Likely benign for Duchenne muscular dystrophy. Last evaluated: 2026-01-26. Review status: criteria provided, single submitter. Criteria: Invitae Variant Classification Sherloc (09022015). Collection method: clinical testing. Allele origin: germline.

Ambry Genetics
Classification: Likely benign for Cardiovascular phenotype. Last evaluated: 2023-11-22. Review status: criteria provided, single submitter. Criteria: Ambry Variant Classification Scheme 2023. Collection method: clinical testing. Allele origin: germline.

Fulgent Genetics
Classification: Uncertain significance for Becker muscular dystrophy; Dilated cardiomyopathy 3B; Duchenne muscular dystrophy. Last evaluated: 2021-10-27. Review status: criteria provided, single submitter. Criteria: ACMG Guidelines, 2015. Collection method: clinical testing. Allele origin: unknown.

ARUP Laboratories, Molecular Genetics and Genomics, ARUP Laboratories
Classification: Uncertain significance. Last evaluated: 2019-02-20. Review status: criteria provided, single submitter. Criteria: ARUP Molecular Germline Variant Investigation Process. Collection method: clinical testing. Allele origin: germline.
Comment: The DMD c.8609G>A; p.Arg2870Gln variant (rs373481995), to our knowledge, is not reported in the medical literature or gene-specific databases. This variant is found in the general population with an overall allele frequency of 0.002% (5/204643 alleles, including one hemizygote) in the Genome Aggregation Database. The arginine at codon 2870 is highly conserved, but computational analyses (SIFT: damaging, PolyPhen-2: benign) predict conflicting effects of this variant on protein structure/function. Given the lack of clinical and functional data, the significance of the p.Arg2870Gln variant is uncertain at this time.

Natera, Inc.
Classification: Uncertain significance for Becker muscular dystrophy; Cardiomyopathy; Duchenne muscular dystrophy; Dystrophin deficiency. Last evaluated: 2018-11-03. Review status: no assertion criteria provided. Collection method: clinical testing. Allele origin: germline. Not counted in ClinVar's aggregate classification.

NM_004006.3(DMD):c.8609G>A (p.Arg2870Gln)

Gene: DMD (dystrophin; minus strand). Cytogenetic location: Xp21.2.
Variant type: single nucleotide variant.
Coding change: c.8609G>A on transcript NM_004006.3 (MANE Select); coding-DNA position 8609, G replaced by A.
Protein change: p.Arg2870Gln; replaces arginine 2870 with glutamine.
Molecular consequence: missense variant.
Genome position (GRCh38, 1-based): chrX:31,479,042, C>T on the plus strand (G>A on the coding strand, the complement: DMD is on the minus strand). VCF-style: chrX-31479042-C-T. GRCh37 (hg19) VCF-style: chrX-31497159-C-T.
Other names: c.8585G>A, p.Arg2862Gln (NM_000109.4); c.8597G>A, p.Arg2866Gln (NM_004009.3); c.8240G>A, p.Arg2747Gln (NM_004010.3); c.4586G>A, p.Arg1529Gln (NM_004011.4); c.4577G>A, p.Arg1526Gln (NM_004012.4); c.1229G>A, p.Arg410Gln (NM_004013.3, NM_004020.4, NM_004021.3 and 2 more transcripts); c.422G>A, p.Arg141Gln (NM_004014.3); short protein forms R141Q, R1526Q, R1529Q, R2747Q, R2862Q, R2866Q, R2870Q, R410Q.
Identifiers: ClinVar variation 811903 (VCV000811903.19), dbSNP rs373481995, ClinGen allele CA10378027.